The following is an entry in ClinVar:

NM_003719.5(PDE8B):c.1267A>G (p.Ile423Val)

Gene: PDE8B (phosphodiesterase 8B; plus strand). Cytogenetic location: 5q13.3.
Variant type: single nucleotide variant.
Coding change: c.1267A>G on transcript NM_003719.5 (MANE Select); coding-DNA position 1267, A replaced by G.
Protein change: p.Ile423Val; replaces isoleucine 423 with valine.
Molecular consequence: missense variant.
Genome position (GRCh38, 1-based): chr5:77,404,776, A>G. VCF-style: chr5-77404776-A-G. GRCh37 (hg19) VCF-style: chr5-76700601-A-G.
Other names: p.Ile423Val; c.1267A>G (NM_003719.4); c.976A>G, p.Ile326Val (NM_001029851.4); c.1267A>G, p.Ile423Val (NM_001029852.4); c.1207A>G, p.Ile403Val (NM_001029853.4); c.1126A>G, p.Ile376Val (NM_001029854.4); c.1264A>G, p.Ile422Val (NM_001349748.3, NM_001349751.3); c.1330A>G, p.Ile444Val (NM_001349749.3); and 14 more; short protein forms I423V, I422V, I326V, I343V, I299V, I321V, I376V, I403V.
Identifiers: ClinVar variation 354158 (VCV000354158.17), dbSNP rs61999348, ClinGen allele CA3315211.

ClinVar aggregate classification (germline): Benign. Review status: criteria provided, multiple submitters, no conflicts (2 of 4 stars). 5 submissions from 5 submitters: Benign (4). 1 of the submissions does not count toward it. Last evaluated 2025-12-20.

Conditions:
PDE8B-related disorder. Also called: PDE8B-related condition.
Autosomal dominant striatal neurodegeneration type 1. Identifiers: Orphanet 228169, MedGen C4310808, MONDO:0012205, OMIM 609161.

Allele frequency attached by ClinVar (database versions not stated): gnomAD exomes 0.00231; ExAC 0.00267; 1000 Genomes Project 30x 0.00828; 1000 Genomes Project 0.00839; gnomAD 0.00930 and 0.01007; ESP Exome Variant Server 0.01000; TOPMed 0.01042.
gnomAD v4.1: 2,735 of 1,602,030 alleles (0.17%); highest among the groups gnomAD compares: African/African-American, 3.2%; 30 homozygotes.

Submissions (5):

Labcorp Genetics (formerly Invitae), Labcorp
Classification: Benign. Last evaluated: 2025-12-20. Review status: criteria provided, single submitter. Criteria: Invitae Variant Classification Sherloc (09022015). Collection method: clinical testing. Allele origin: germline.

Mayo Clinic Laboratories, Mayo Clinic
Classification: Benign. Last evaluated: 2025-06-30. Review status: criteria provided, single submitter. Criteria: ACMG Guidelines, 2015. Collection method: clinical testing. Allele origin: germline. Observed: 1 variant allele.
Comment: BA1, BP4_moderate

Illumina Laboratory Services, Illumina
Classification: Benign for Autosomal dominant striatal neurodegeneration type 1. Last evaluated: 2018-01-12. Review status: criteria provided, single submitter. Criteria: ICSL Variant Classification Criteria 13 December 2019. Collection method: clinical testing. Allele origin: germline.
Comment: This variant was observed in the ICSL laboratory as part of a predisposition screen in an ostensibly healthy population. It had not been previously curated by ICSL or reported in the Human Gene Mutation Database (HGMD: prior to June 1st, 2018), and was therefore a candidate for classification through an automated scoring system. Utilizing variant allele frequency, disease prevalence and penetrance estimates, and inheritance mode, an automated score was calculated to assess if this variant is too frequent to cause the disease. Based on the score and internal cut-off values, a variant classified as benign is not then subjected to further curation. The score for this variant resulted in a classification of benign for this disease.

Breakthrough Genomics
Classification: Benign. Review status: criteria provided, single submitter. Criteria: ACMG Guidelines, 2015. Collection method: not provided. Allele origin: germline. Inheritance: Autosomal dominant inheritance. Affected: yes.

PreventionGenetics, part of Exact Sciences
Classification: Benign for PDE8B-related condition. Last evaluated: 2024-04-01. Review status: no assertion criteria provided. Collection method: clinical testing. Allele origin: germline. Not counted in ClinVar's aggregate classification.
Comment: This variant is classified as benign based on ACMG/AMP sequence variant interpretation guidelines (Richards et al. 2015 PMID: 25741868, with internal and published modifications).